The following is an entry in ClinVar:

ClinVar aggregate classification (germline): Uncertain significance (1 of 4 stars; one submission).

Submission:

GeneDx
Classification: Uncertain significance. Last evaluated: 2022-07-21. Review status: criteria provided, single submitter. Criteria: GeneDx Variant Classification Process June 2021. Collection method: clinical testing. Allele origin: germline. Affected: yes.
Comment: Not observed at significant frequency in large population cohorts (gnomAD); In silico analysis supports that this missense variant has a deleterious effect on protein structure/function; Has not been previously published as pathogenic or benign to our knowledge

NM_001394062.1(MACF1):c.22601C>T (p.Ser7534Phe)

Gene: MACF1 (microtubule actin crosslinking factor 1; plus strand). Cytogenetic location: 1p34.3.
Variant type: single nucleotide variant.
Coding change: c.22601C>T on transcript NM_001394062.1 (MANE Select); coding-DNA position 22601, C replaced by T.
Protein change: p.Ser7534Phe; replaces serine 7534 with phenylalanine.
Molecular consequence: missense variant.
Genome position (GRCh38, 1-based): chr1:39,485,727, C>T. VCF-style: chr1-39485727-C-T. GRCh37 (hg19) VCF-style: chr1-39951399-C-T.
Other names: c.10481C>T, p.Ser3494Phe (NM_001397473.1); c.16226C>T, p.Ser5409Phe (NM_012090.5); short protein forms S5409F, S3494F, S7534F.
Identifiers: ClinVar variation 2136065 (VCV002136065.1), dbSNP rs2523531092, ClinGen allele CA339788892.